The following is an entry in ClinVar:

ClinVar aggregate classification (germline): Uncertain significance (1 of 4 stars; one submission).

Submission:

Labcorp Genetics (formerly Invitae), Labcorp
Classification: Uncertain significance. Last evaluated: 2022-02-04. Review status: criteria provided, single submitter. Criteria: Invitae Variant Classification Sherloc (09022015). Collection method: clinical testing. Allele origin: germline.
Comment: This sequence change replaces glycine, which is neutral and non-polar, with valine, which is neutral and non-polar, at codon 1575 of the SAMD9 protein (p.Gly1575Val). This variant is not present in population databases (gnomAD no frequency). This variant has not been reported in the literature in individuals affected with SAMD9-related conditions. ClinVar contains an entry for this variant (Variation ID: 1008069). Algorithms developed to predict the effect of missense changes on protein structure and function are either unavailable or do not agree on the potential impact of this missense change (SIFT: "Deleterious"; PolyPhen-2: "Probably Damaging"; Align-GVGD: "Class C0"). Algorithms developed to predict the effect of sequence changes on RNA splicing suggest that this variant may create or strengthen a splice site. In summary, the available evidence is currently insufficient to determine the role of this variant in disease. Therefore, it has been classified as a Variant of Uncertain Significance.

NM_017654.4(SAMD9):c.4724G>T (p.Gly1575Val)

Gene: SAMD9 (sterile alpha motif domain containing 9; minus strand). Cytogenetic location: 7q21.2.
Variant type: single nucleotide variant.
Coding change: c.4724G>T on transcript NM_017654.4 (MANE Select); coding-DNA position 4724, G replaced by T.
Protein change: p.Gly1575Val; replaces glycine 1575 with valine.
Molecular consequence: missense variant.
Genome position (GRCh38, 1-based): chr7:93,101,374, C>A on the plus strand (G>T on the coding strand, the complement: SAMD9 is on the minus strand). VCF-style: chr7-93101374-C-A. GRCh37 (hg19) VCF-style: chr7-92730687-C-A.
Other names: c.4724G>T, p.Gly1575Val (NM_001193307.2); short protein forms G1575V.
Identifiers: ClinVar variation 1008069 (VCV001008069.6), dbSNP rs148724199, ClinGen allele CA368175919.